The following is an entry in ClinVar:

NM_004341.5(CAD):c.1625A>T (p.Gln542Leu)

Gene: CAD (carbamoyl-phosphate synthetase 2, aspartate transcarbamylase, and dihydroorotase; plus strand). Cytogenetic location: 2p23.3.
Variant type: single nucleotide variant.
Coding change: c.1625A>T on transcript NM_004341.5 (MANE Select); coding-DNA position 1625, A replaced by T.
Protein change: p.Gln542Leu; replaces glutamine 542 with leucine.
Molecular consequence: missense variant.
Genome position (GRCh38, 1-based): chr2:27,225,709, A>T. VCF-style: chr2-27225709-A-T. GRCh37 (hg19) VCF-style: chr2-27448577-A-T.
Other names: c.1625A>T, p.Gln542Leu (NM_001306079.2); short protein forms Q542L.
Identifiers: ClinVar variation 1483441 (VCV001483441.8), dbSNP rs2148065959, ClinGen allele CA346205959.

ClinVar aggregate classification (germline): Uncertain significance (1 of 4 stars; one submission).

Submission:

Labcorp Genetics (formerly Invitae), Labcorp
Classification: Uncertain significance. Last evaluated: 2022-10-26. Review status: criteria provided, single submitter. Criteria: Invitae Variant Classification Sherloc (09022015). Collection method: clinical testing. Allele origin: germline.
Comment: Algorithms developed to predict the effect of missense changes on protein structure and function (SIFT, PolyPhen-2, Align-GVGD) all suggest that this variant is likely to be tolerated. In summary, the available evidence is currently insufficient to determine the role of this variant in disease. Therefore, it has been classified as a Variant of Uncertain Significance. ClinVar contains an entry for this variant (Variation ID: 1483441). This variant has not been reported in the literature in individuals affected with CAD-related conditions. This variant is not present in population databases (gnomAD no frequency). This sequence change replaces glutamine, which is neutral and polar, with leucine, which is neutral and non-polar, at codon 542 of the CAD protein (p.Gln542Leu).